The following is an entry in ClinVar:

NM_005902.4(SMAD3):c.*579del

Gene: SMAD3 (SMAD family member 3; plus strand). Cytogenetic location: 15q22.33.
Variant type: Deletion.
Coding change: c.*579del on transcript NM_005902.4 (MANE Select); 579 bases downstream of the stop codon, one base deleted (G; older notation c.*579delG).
Molecular consequence: 3 prime UTR variant.
Genome position (GRCh38, 1-based): chr15:67,191,115, G deleted. VCF-style (leftmost placement, unchanged base first): chr15-67191114-AG-A. GRCh37 (hg19) VCF-style: chr15-67483452-AG-A.
Other names: c.*579del (NM_001145102.2, NM_001145103.2, NM_001145104.2).
Identifiers: ClinVar variation 316879 (VCV000316879.33), dbSNP rs550707472, ClinGen allele CA10646505.

ClinVar aggregate classification (germline): Likely benign (1 of 4 stars; one submission).

Allele frequency attached by ClinVar (database versions not stated): 1000 Genomes Project 0.00060; 1000 Genomes Project 30x 0.00078; TOPMed 0.00169; gnomAD 0.00264 and 0.00265; gnomAD exomes 0.01476.

Submission:

CeGaT Center for Human Genetics Tuebingen
Classification: Likely benign. Last evaluated: 2023-02-01. Review status: criteria provided, single submitter. Criteria: CeGaT Center For Human Genetics Tuebingen Variant Classification Criteria Version 2. Collection method: clinical testing. Allele origin: germline. Affected: yes. Observed: 4 variant alleles.
Comment: SMAD3: BS1